The following is an entry in ClinVar:

ClinVar aggregate classification (germline): Uncertain significance. Review status: criteria provided, multiple submitters, no conflicts (2 of 4 stars). 2 submissions from 2 submitters: Uncertain significance (2). Last evaluated 2025-03-05.

Conditions:
Hereditary cancer-predisposing syndrome. Also called: Hereditary neoplastic syndrome; Tumor predisposition; Neoplastic Syndromes, Hereditary; Hereditary Cancer Syndrome. Identifiers: Orphanet 140162, MedGen C0027672, MeSH D009386, MONDO:0015356.
Multiple endocrine neoplasia, type 2 (MEN2). Identifiers: Orphanet 653, MedGen C4048306, MONDO:0019003. Disease mechanism: gain of function.

Allele frequency attached by ClinVar (database versions not stated): gnomAD exomes below 0.00001.
gnomAD v4.1: 1 of 1,611,028 alleles (0.000062%); highest among the groups gnomAD compares: South Asian, 0.0011%; no homozygotes.

Submissions (2):

Ambry Genetics
Classification: Uncertain significance for Hereditary cancer-predisposing syndrome. Last evaluated: 2025-03-05. Review status: criteria provided, single submitter. Criteria: Ambry Variant Classification Scheme 2023. Collection method: clinical testing. Allele origin: germline.
Comment: The p.R494W variant (also known as c.1480A>T), located in coding exon 7 of the RET gene, results from an A to T substitution at nucleotide position 1480. The arginine at codon 494 is replaced by tryptophan, an amino acid with dissimilar properties. This amino acid position is conserved. In addition, this alteration is predicted to be tolerated by in silico analysis. Since supporting evidence is limited at this time, the clinical significance of this alteration remains unclear.

Labcorp Genetics (formerly Invitae), Labcorp
Classification: Uncertain significance for Multiple endocrine neoplasia, type 2. Last evaluated: 2023-10-18. Review status: criteria provided, single submitter. Criteria: Invitae Variant Classification Sherloc (09022015). Collection method: clinical testing. Allele origin: germline.
Comment: This sequence change replaces arginine, which is basic and polar, with tryptophan, which is neutral and slightly polar, at codon 494 of the RET protein (p.Arg494Trp). This variant is not present in population databases (gnomAD no frequency). This variant has not been reported in the literature in individuals affected with RET-related conditions. ClinVar contains an entry for this variant (Variation ID: 954388). An algorithm developed to predict the effect of missense changes on protein structure and function (PolyPhen-2) suggests that this variant is likely to be tolerated. In summary, the available evidence is currently insufficient to determine the role of this variant in disease. Therefore, it has been classified as a Variant of Uncertain Significance.

NM_020975.6(RET):c.1480A>T (p.Arg494Trp)

Gene: RET (ret proto-oncogene; plus strand). Cytogenetic location: 10q11.21.
Variant type: single nucleotide variant.
Coding change: c.1480A>T on transcript NM_020975.6 (MANE Select); coding-DNA position 1480, A replaced by T.
Protein change: p.Arg494Trp; replaces arginine 494 with tryptophan.
Molecular consequence: missense variant.
Genome position (GRCh38, 1-based): chr10:43,111,423, A>T. VCF-style: chr10-43111423-A-T. GRCh37 (hg19) VCF-style: chr10-43606871-A-T.
Other names: c.1480A>T, p.Arg494Trp (NM_000323.2, NM_001406743.1, NM_001406744.1 and 6 more transcripts); c.718A>T, p.Arg240Trp (NM_001355216.2); c.1351A>T, p.Arg451Trp (NM_001406761.1, NM_001406762.1, NM_001406764.1 and 1 more transcripts); c.1192A>T, p.Arg398Trp (NM_001406766.1, NM_001406767.1, NM_001406770.1); c.1084A>T, p.Arg362Trp (NM_001406769.1, NM_001406772.1); c.1042A>T, p.Arg348Trp (NM_001406771.1, NM_001406773.1); c.955A>T, p.Arg319Trp (NM_001406774.1); c.754A>T, p.Arg252Trp (NM_001406775.1, NM_001406776.1, NM_001406777.1 and 1 more transcripts); and 1 more; short protein forms R494W, R240W, R252W, R362W, R164W, R319W, R348W, R451W.
Identifiers: ClinVar variation 954388 (VCV000954388.13), dbSNP rs1837924019, ClinGen allele CA376549864.